The following is an entry in ClinVar:

ClinVar aggregate classification (germline): Uncertain significance (1 of 4 stars; one submission).

Conditions:
Inborn genetic diseases. Identifiers: MedGen C0950123, MeSH D030342.

Submission:

Ambry Genetics
Classification: Uncertain significance for Inborn genetic diseases. Last evaluated: 2022-06-22. Review status: criteria provided, single submitter. Criteria: Ambry Variant Classification Scheme 2023. Collection method: clinical testing. Allele origin: germline.
Comment: The p.G725V variant (also known as c.2174G>T), located in coding exon 14 of the EPAS1 gene, results from a G to T substitution at nucleotide position 2174. The glycine at codon 725 is replaced by valine, an amino acid with dissimilar properties. This amino acid position is conserved. In addition, this alteration is predicted to be tolerated by in silico analysis. Since supporting evidence is limited at this time, the clinical significance of this alteration remains unclear.

NM_001430.5(EPAS1):c.2174G>T (p.Gly725Val)

Gene: EPAS1 (endothelial PAS domain protein 1; plus strand). Cytogenetic location: 2p21.
Variant type: single nucleotide variant.
Coding change: c.2174G>T on transcript NM_001430.5 (MANE Select); coding-DNA position 2174, G replaced by T.
Protein change: p.Gly725Val; replaces glycine 725 with valine.
Molecular consequence: missense variant.
Genome position (GRCh38, 1-based): chr2:46,381,976, G>T. VCF-style: chr2-46381976-G-T. GRCh37 (hg19) VCF-style: chr2-46609115-G-T.
Other names: short protein forms G725V.
Identifiers: ClinVar variation 1787159 (VCV001787159.2), dbSNP rs1370480723, ClinGen allele CA346705698.